The following is an entry in ClinVar:

NM_001370259.2(MEN1):c.1078A>T (p.Ile360Phe)

Gene: MEN1 (menin 1; minus strand). Cytogenetic location: 11q13.1.
Variant type: single nucleotide variant.
Coding change: c.1078A>T on transcript NM_001370259.2 (MANE Select); coding-DNA position 1078, A replaced by T.
Protein change: p.Ile360Phe; replaces isoleucine 360 with phenylalanine.
Molecular consequence: missense variant.
Genome position (GRCh38, 1-based): chr11:64,805,742, T>A on the plus strand (A>T on the coding strand, the complement: MEN1 is on the minus strand). VCF-style: chr11-64805742-T-A. GRCh37 (hg19) VCF-style: chr11-64573214-T-A.
Other names: c.1093A>T, p.Ile365Phe (NM_000244.4, NM_130800.3, NM_130801.3 and 3 more transcripts); c.1204A>T, p.Ile402Phe (NM_001370251.2); c.1078A>T, p.Ile360Phe (NM_001370260.2, NM_001370261.2, NM_130799.3); c.973A>T, p.Ile325Phe (NM_001370262.2, NM_001370263.2); short protein forms I360F, I365F, I402F, I325F.
Identifiers: ClinVar variation 428009 (VCV000428009.7), dbSNP rs1114167475, ClinGen allele CA381182795.
Genomic context (GRCh38, chr11:64,805,742, plus strand): 5'-CTGCCTCCTTCAGCAGGTTGGGGATGACATCATTGGCTACTTCAAAGAACTCCTTGTAGA[T>A]CTCCTCGTCTTCCCGGCAGTAGTTGTAGCTGTGAGAGCAGTGGGGTCTCTGTAGGGTCTG-3'
Protein context (NP_001357188.2, residues 350-370): DYNYCREDEE[Ile360Phe]YKEFFEVAND

ClinVar aggregate classification (germline): Uncertain significance (1 of 4 stars; one submission).

Conditions:
Hereditary cancer-predisposing syndrome. Also called: Hereditary Cancer Syndrome; Neoplastic Syndromes, Hereditary; Hereditary neoplastic syndrome; Tumor predisposition. Identifiers: Orphanet 140162, MedGen C0027672, MeSH D009386, MONDO:0015356.

Submission:

Ambry Genetics
Classification: Uncertain significance for Hereditary cancer-predisposing syndrome. Last evaluated: 2025-06-11. Review status: criteria provided, single submitter. Criteria: Ambry Variant Classification Scheme 2023. Collection method: clinical testing. Allele origin: germline.
Comment: The p.I360F variant (also known as c.1078A>T), located in coding exon 7 of the MEN1 gene, results from an A to T substitution at nucleotide position 1078. The isoleucine at codon 360 is replaced by phenylalanine, an amino acid with highly similar properties. This amino acid position is highly conserved in available vertebrate species. In addition, this alteration is predicted to be deleterious by in silico analysis. Based on the available evidence, the clinical significance of this variant remains unclear.